The following is an entry in ClinVar:

NM_001378615.1(CC2D2A):c.3610A>C (p.Lys1204Gln)

Genes: CC2D2A (coiled-coil and C2 domain containing 2A; plus strand), FBXL5 (F-box and leucine rich repeat protein 5; minus strand). Cytogenetic location: 4p15.32.
Variant type: single nucleotide variant.
Coding change: c.3610A>C on transcript NM_001378615.1 (MANE Select); coding-DNA position 3610, A replaced by C.
Protein change: p.Lys1204Gln; replaces lysine 1204 with glutamine.
Molecular consequence: missense variant.
Genome position (GRCh38, 1-based): chr4:15,574,165, A>C. VCF-style: chr4-15574165-A-C. GRCh37 (hg19) VCF-style: chr4-15575788-A-C.
Other names: c.3610A>C, p.Lys1204Gln (NM_001080522.2); c.3463A>C, p.Lys1155Gln (NM_001378617.1); short protein forms K1155Q, K1204Q.
Identifiers: ClinVar variation 842713 (VCV000842713.9), dbSNP rs1409153766, ClinGen allele CA356423614.

ClinVar aggregate classification (germline): Uncertain significance. Review status: criteria provided, multiple submitters, no conflicts (2 of 4 stars). 3 submissions from 3 submitters: Uncertain significance (3). Last evaluated 2025-10-02.

Conditions:
Meckel-Gruber syndrome. Also called: Dysencephalia splachnocystica; DYSENCEPHALIA SPLANCHNOCYSTICA; GRUBER SYNDROME. Identifiers: Orphanet 564, MedGen C0265215, MONDO:0018921.
Joubert syndrome. Also called: JOUBERT-BOLTSHAUSER SYNDROME; Familial aplasia of the vermis. Identifiers: Orphanet 475, MedGen C5979921, MONDO:0018772.
Inborn genetic diseases. Identifiers: MedGen C0950123, MeSH D030342.

Allele frequency attached by ClinVar (database versions not stated): gnomAD exomes below 0.00001 and 0.00001; gnomAD 0.00001.
gnomAD v4.1: 4 of 1,545,778 alleles (0.00026%); highest among the groups gnomAD compares: Non-Finnish European, 0.00017%; no homozygotes.

Submissions (3):

Ambry Genetics
Classification: Uncertain significance for Inborn genetic diseases. Last evaluated: 2025-10-02. Review status: criteria provided, single submitter. Criteria: Ambry Variant Classification Scheme 2023. Collection method: clinical testing. Allele origin: germline.

GeneDx
Classification: Uncertain significance. Last evaluated: 2024-08-02. Review status: criteria provided, single submitter. Criteria: GeneDx Variant Classification Process June 2021. Collection method: clinical testing. Allele origin: germline. Affected: yes.
Comment: In silico analysis indicates that this missense variant does not alter protein structure/function; Has not been previously published as pathogenic or benign to our knowledge

Labcorp Genetics (formerly Invitae), Labcorp
Classification: Uncertain significance for Joubert syndrome; Meckel-Gruber syndrome. Last evaluated: 2021-08-24. Review status: criteria provided, single submitter. Criteria: Invitae Variant Classification Sherloc (09022015). Collection method: clinical testing. Allele origin: germline.
Comment: This sequence change replaces lysine with glutamine at codon 1204 of the CC2D2A protein (p.Lys1204Gln). The lysine residue is moderately conserved and there is a small physicochemical difference between lysine and glutamine. This variant is not present in population databases (ExAC no frequency). This variant has not been reported in the literature in individuals affected with CC2D2A-related conditions. Algorithms developed to predict the effect of missense changes on protein structure and function (SIFT, PolyPhen-2, Align-GVGD) all suggest that this variant is likely to be tolerated. In summary, the available evidence is currently insufficient to determine the role of this variant in disease. Therefore, it has been classified as a Variant of Uncertain Significance.